The following is an entry in ClinVar:

NM_144668.6(CFAP251):c.1947G>A (p.Gly649=)

Gene: CFAP251 (cilia and flagella associated protein 251; plus strand). Cytogenetic location: 12q24.31.
Variant type: single nucleotide variant.
Coding change: c.1947G>A on transcript NM_144668.6 (MANE Select); coding-DNA position 1947, G replaced by A.
Protein change: p.Gly649=; no amino-acid change (glycine 649 retained).
Molecular consequence: synonymous variant.
Genome position (GRCh38, 1-based): chr12:121,958,488, G>A. VCF-style: chr12-121958488-G-A. GRCh37 (hg19) VCF-style: chr12-122396394-G-A.
Other names: c.1947G>A, p.Gly649= (NM_001178003.2).
Identifiers: ClinVar variation 3040780 (VCV003040780.2), dbSNP rs199772819, ClinGen allele CA6840724.
Genomic context (GRCh38, chr12:121,958,488, plus strand): 5'-GATCAAAGTGTGGAATTATGAAAACAAACAATATCTTTTCAGCAGGGTTTTTGAGAAGGG[G>A]CTTGGAGTCCAGAGTCTGACCTACAACCCCGAAGGTATTTTCATCTTATCAGCCTACCAT-3'
Protein context (NP_653269.3, residues 639-659): QYLFSRVFEK[Gly649=]LGVQSLTYNP

ClinVar aggregate classification (germline): Likely benign (0 of 4 stars; one submission).

Conditions:
CFAP251-related disorder. Also called: CFAP251-related condition.

Allele frequency attached by ClinVar (database versions not stated): 1000 Genomes Project 30x 0.00031; 1000 Genomes Project 0.00040; gnomAD 0.00094; ESP Exome Variant Server 0.00109; TOPMed 0.00124.
gnomAD v4.1: 362 of 1,614,226 alleles (0.022%); highest among the groups gnomAD compares: African/African-American, 0.3%; no homozygotes.

Submission:

PreventionGenetics, part of Exact Sciences
Classification: Likely benign for CFAP251-related condition. Last evaluated: 2019-09-12. Review status: no assertion criteria provided. Collection method: clinical testing. Allele origin: germline.
Comment: This variant is classified as likely benign based on ACMG/AMP sequence variant interpretation guidelines (Richards et al. 2015 PMID: 25741868, with internal and published modifications).